The following is an entry in ClinVar:

ClinVar aggregate classification (germline): Likely pathogenic (1 of 4 stars; one submission).

Conditions:
Gorlin syndrome. Also called: Basal cell nevus syndrome; Nevoid Basal Cell Carcinoma Syndrome. Identifiers: Orphanet 377, MedGen C0004779, MONDO:0007187.
Medulloblastoma (MDB). Also called: MEDULLOBLASTOMA PREDISPOSITION SYNDROME; Medulloblastoma, somatic. Identifiers: Orphanet 616, MedGen C0025149, MeSH D008527, MONDO:0007959, OMIM 155255, HP:0002885.

Submission:

Labcorp Genetics (formerly Invitae), Labcorp
Classification: Likely pathogenic for Gorlin syndrome; Medulloblastoma. Last evaluated: 2022-11-28. Review status: criteria provided, single submitter. Criteria: Invitae Variant Classification Sherloc (09022015). Collection method: clinical testing. Allele origin: germline.
Comment: This sequence change falls in intron 1 of the SUFU gene. It does not directly change the encoded amino acid sequence of the SUFU protein. RNA analysis indicates that this variant induces altered splicing and may result in an absent or disrupted protein product. This variant is not present in population databases (gnomAD no frequency). This variant has been observed in individual(s) with basal cell nevus syndrome (Invitae). ClinVar contains an entry for this variant (Variation ID: 1435326). Variants that disrupt the consensus splice site are a relatively common cause of aberrant splicing (PMID: 17576681, 9536098). Studies have shown that this variant results in activation of a cryptic splice site and introduces a premature termination codon (Invitae). The resulting mRNA is expected to undergo nonsense-mediated decay. In summary, the currently available evidence indicates that the variant is pathogenic, but additional data are needed to prove that conclusively. Therefore, this variant has been classified as Likely Pathogenic.

Literature cited by the submitters: PubMed 17576681; PubMed 9536098.

NM_016169.4(SUFU):c.182+3A>C

Gene: SUFU (SUFU negative regulator of hedgehog signaling; plus strand). Cytogenetic location: 10q24.32.
Variant type: single nucleotide variant.
Coding change: c.182+3A>C on transcript NM_016169.4 (MANE Select); 3 bases into the intron after coding-DNA position 182, A replaced by C.
Molecular consequence: intron variant.
Genome position (GRCh38, 1-based): chr10:102,504,337, A>C. VCF-style: chr10-102504337-A-C. GRCh37 (hg19) VCF-style: chr10-104264094-A-C.
Other names: c.182+3A>C (NM_001178133.2).
Identifiers: ClinVar variation 1435326 (VCV001435326.6), dbSNP rs1589970228, ClinGen allele CA2573145484.